The following is an entry in ClinVar:

ClinVar aggregate classification (germline): Uncertain significance (1 of 4 stars; one submission).

Submission:

Labcorp Genetics (formerly Invitae), Labcorp
Classification: Uncertain significance. Last evaluated: 2021-08-05. Review status: criteria provided, single submitter. Criteria: Invitae Variant Classification Sherloc (09022015). Collection method: clinical testing. Allele origin: germline.
Comment: This variant results in a copy number gain of the genomic region encompassing exons 8-10 of the KPNA7 gene. The 5' boundary is likely confined to intron 7. The 3' end of this event is unknown as it extends beyond the assayed region for this gene and therefore may encompass additional genes. As the precise location of this event is unknown, it may be in tandem or it may be located elsewhere in the genome. This variant has not been reported in the literature in individuals with KPNA7-related conditions. In summary, the available evidence is currently insufficient to determine the role of this variant in disease. Therefore, it has been classified as a Variant of Uncertain Significance.

NC_000007.13:g.(?_98478774)_(98779708_?)dup

Genes: KPNA7 (karyopherin subunit alpha 7; minus strand), SMURF1 (SMAD specific E3 ubiquitin protein ligase 1; minus strand), TRRAP (transformation/transcription domain associated protein; plus strand). Cytogenetic location: 7q22.1.
Variant type: Duplication.
Identifiers: ClinVar variation 2423885 (VCV002423885.4).